The following is an entry in ClinVar:

NM_002180.3(IGHMBP2):c.1537+5G>A

Gene: IGHMBP2 (immunoglobulin mu DNA binding protein 2; plus strand). Cytogenetic location: 11q13.3.
Variant type: single nucleotide variant.
Coding change: c.1537+5G>A on transcript NM_002180.3 (MANE Select); 5 bases into the intron after coding-DNA position 1537, G replaced by A.
Molecular consequence: intron variant.
Genome position (GRCh38, 1-based): chr11:68,933,918, G>A. VCF-style: chr11-68933918-G-A. GRCh37 (hg19) VCF-style: chr11-68701386-G-A.
Identifiers: ClinVar variation 1030529 (VCV001030529.2), dbSNP rs1859419489, ClinGen allele CA2499221266.

ClinVar aggregate classification (germline): Conflicting classifications of pathogenicity. Review status: criteria provided, conflicting classifications (1 of 4 stars). 2 submissions from 2 submitters: Likely pathogenic (1); Uncertain significance (1). Last evaluated 2024-04-04.

Conditions:
Charcot-Marie-Tooth disease axonal type 2S. Also called: CHARCOT-MARIE-TOOTH DISEASE, AXONAL, AUTOSOMAL RECESSIVE, TYPE 2S; CHARCOT-MARIE-TOOTH NEUROPATHY, TYPE 2S. Identifiers: Orphanet 443073, MedGen C4015349, MONDO:0014511, OMIM 616155.
Autosomal recessive distal spinal muscular atrophy 1. Also called: NEURONOPATHY, DISTAL HEREDITARY MOTOR, HARDING TYPE VI; NEUROPATHY, DISTAL HEREDITARY MOTOR, AUTOSOMAL RECESSIVE 1; SEVERE INFANTILE AXONAL NEUROPATHY WITH RESPIRATORY FAILURE; SPINAL MUSCULAR ATROPHY, DIAPHRAGMATIC; NEURONOPATHY, SEVERE INFANTILE AXONAL, WITH RESPIRATORY FAILURE; Spinal muscular atrophy with respiratory distress 1. Identifiers: Orphanet 98920, MedGen C1858517, MONDO:0011436, OMIM 604320.

Submissions (2):

Genomic Medicine Center of Excellence, King Faisal Specialist Hospital and Research Centre
Classification: Likely pathogenic for Autosomal recessive distal spinal muscular atrophy 1. Last evaluated: 2024-04-04. Review status: criteria provided, single submitter. Criteria: ACMG Guidelines, 2015. Collection method: clinical testing. Allele origin: germline.

Baylor Genetics
Classification: Uncertain significance for Charcot-Marie-Tooth disease axonal type 2S. Last evaluated: 2019-11-03. Review status: criteria provided, single submitter. Criteria: ACMG Guidelines, 2015. Collection method: clinical testing. Allele origin: unknown. Affected: yes.
Comment: This variant was determined to be of uncertain significance according to ACMG Guidelines, 2015 [PMID:25741868].